The following is an entry in ClinVar:

ClinVar aggregate classification (germline): Pathogenic/Likely pathogenic. Review status: criteria provided, multiple submitters, no conflicts (2 of 4 stars). 4 submissions from 4 submitters: Pathogenic (3); Likely pathogenic (1). Last evaluated 2025-12-21.

Conditions:
Retinitis pigmentosa 25 (RP25). Identifiers: Orphanet 791, MedGen C1864446, MONDO:0011272, OMIM 602772.
EYS-related disorder. Also called: EYS-related condition.

Submissions (4):

Labcorp Genetics (formerly Invitae), Labcorp
Classification: Pathogenic. Last evaluated: 2025-12-21. Review status: criteria provided, single submitter. Criteria: Invitae Variant Classification Sherloc (09022015). Collection method: clinical testing. Allele origin: germline.
Comment: This sequence change creates a premature translational stop signal (p.Thr2579Lysfs*36) in the EYS gene. It is expected to result in an absent or disrupted protein product. Loss-of-function variants in EYS are known to be pathogenic (PMID: 18836446, 20333770). This variant is present in population databases (no rsID available, gnomAD 0.003%). This variant has not been reported in the literature in individuals affected with EYS-related conditions. ClinVar contains an entry for this variant (Variation ID: 866265). For these reasons, this variant has been classified as Pathogenic.

Natera, Inc.
Classification: Pathogenic for Retinitis pigmentosa type 25. Last evaluated: 2025-09-29. Review status: criteria provided, single submitter. Criteria: Natera Variant Classification Schema (03/2026). Collection method: clinical testing. Allele origin: germline.
Comment: The c.7736_7742delCTCTTCA variant in EYS is a frameshift variant predicted to shift the reading frame beginning at codon 2579 and leads to a stop codon 36 codons downstream. This variant is expected to result in nonsense mediated decay, truncation, or a dysfunctional protein product. This variant is rare in the general population with a frequency below the threshold expected for the associated phenotype(s). This variant has been observed in one or more individuals affected with the associated recessive disease, as either homozygous or compound heterozygous with a second variant (PMID: 34327195). Given the available evidence, this variant is classified as Pathogenic.

Baylor Genetics
Classification: Pathogenic for Retinitis pigmentosa 25. Last evaluated: 2024-02-28. Review status: criteria provided, single submitter. Criteria: ACMG Guidelines, 2015. Collection method: clinical testing. Allele origin: unknown.

Blueprint Genetics
Classification: Likely pathogenic for EYS-related disorders. Last evaluated: 2019-01-15. Review status: criteria provided, single submitter. Criteria: ACMG Guidelines, 2015. Collection method: clinical testing. Allele origin: germline. Affected: yes. Observed: 1 variant allele.

Literature cited by the submitters: PubMed 18836446 (cited by Labcorp Genetics (formerly Invitae), Labcorp); PubMed 20333770 (cited by Labcorp Genetics (formerly Invitae), Labcorp); PubMed 34327195 (cited by Natera, Inc.).

NM_001142800.2(EYS):c.7736_7742del (p.Thr2579fs)

Gene: EYS (EGF-like photoreceptor maintenance factor; minus strand). Cytogenetic location: 6q12.
Variant type: Deletion.
Coding change: c.7736_7742del on transcript NM_001142800.2 (MANE Select); coding-DNA positions 7736 to 7742, 7 bases deleted (CTCTTCA; older notation c.7736_7742delCTCTTCA).
Protein change: p.Thr2579fs; shifts the reading frame from threonine 2579.
Molecular consequence: frameshift variant.
Genome position (GRCh38, 1-based): chr6:63,778,162-63,778,168, TGAAGAG deleted on the plus strand (CTCTTCA on the coding strand, the reverse complement: EYS is on the minus strand); deleting any 7 consecutive bases within chr6:63,778,162-63,778,172 gives the same sequence; the c. name uses the placement nearest the transcript's 3' end. VCF-style (leftmost placement, unchanged base first): chr6-63778161-TTGAAGAG-T. GRCh37 (hg19) VCF-style: chr6-64488054-TTGAAGAG-T.
Other names: c.7736_7742delCTCTTCA (NM_001142800.1); c.7736_7742del, p.Thr2579fs (NM_001292009.2); short protein forms T2579fs.
Identifiers: ClinVar variation 866265 (VCV000866265.12), dbSNP rs1431427428, ClinGen allele CA568119025.